The following is an entry in ClinVar:

NM_002485.5(NBN):c.321-3C>G

Gene: NBN (nibrin; minus strand). Cytogenetic location: 8q21.3.
Variant type: single nucleotide variant.
Coding change: c.321-3C>G on transcript NM_002485.5 (MANE Select); 3 bases into the intron before coding-DNA position 321, C replaced by G.
Molecular consequence: intron variant.
Genome position (GRCh38, 1-based): chr8:89,980,896, G>C on the plus strand (C>G on the coding strand, the complement: NBN is on the minus strand). VCF-style: chr8-89980896-G-C. GRCh37 (hg19) VCF-style: chr8-90993124-G-C.
Other names: c.321-3C>G (NM_002485.4); c.75-3C>G (NM_001024688.3).
Identifiers: ClinVar variation 2087203 (VCV002087203.6), dbSNP rs751356470, ClinGen allele CA2580079192.

ClinVar aggregate classification (germline): Uncertain significance. Review status: criteria provided, multiple submitters, no conflicts (2 of 4 stars). 2 submissions from 2 submitters: Uncertain significance (2). Last evaluated 2022-11-30.

Conditions:
Microcephaly, normal intelligence and immunodeficiency (NBS). Also called: Immunodeficiency, microcephaly with normal intelligence; Ataxia telangiectasia variant V1; BERLIN BREAKAGE SYNDROME; Nijmegen breakage syndrome; Microcephaly with normal intelligence immunodeficiency and lymphoreticular malignancies; Nonsyndromal microcephaly autosomal recessive with normal intelligence. Identifiers: Orphanet 647, MedGen C0398791, MONDO:0009623, OMIM 251260.
Hereditary cancer-predisposing syndrome. Also called: Tumor predisposition; Neoplastic Syndromes, Hereditary; Hereditary neoplastic syndrome; Hereditary Cancer Syndrome. Identifiers: Orphanet 140162, MedGen C0027672, MeSH D009386, MONDO:0015356.

Submissions (2):

Ambry Genetics
Classification: Uncertain significance for Hereditary cancer-predisposing syndrome. Last evaluated: 2022-11-30. Review status: criteria provided, single submitter. Criteria: Ambry Variant Classification Scheme 2023. Collection method: clinical testing. Allele origin: germline.
Comment: The c.321-3C>G intronic variant results from a C to G substitution 3 nucleotides upstream from coding exon 4 in the NBN gene. This nucleotide position is well conserved in available vertebrate species. In silico splice site analysis predicts that this alteration will weaken the native splice acceptor site and may result in the creation or strengthening of a novel splice acceptor site. Since supporting evidence is limited at this time, the clinical significance of this alteration remains unclear.

Labcorp Genetics (formerly Invitae), Labcorp
Classification: Uncertain significance for Microcephaly, normal intelligence and immunodeficiency. Last evaluated: 2022-01-17. Review status: criteria provided, single submitter. Criteria: Invitae Variant Classification Sherloc (09022015). Collection method: clinical testing. Allele origin: germline.
Comment: This variant has not been reported in the literature in individuals affected with NBN-related conditions. This variant is not present in population databases (gnomAD no frequency). This sequence change falls in intron 3 of the NBN gene. It does not directly change the encoded amino acid sequence of the NBN protein. It affects a nucleotide within the consensus splice site. Variants that disrupt the consensus splice site are a relatively common cause of aberrant splicing (PMID: 17576681, 9536098). Algorithms developed to predict the effect of sequence changes on RNA splicing suggest that this variant may disrupt the consensus splice site. In summary, the available evidence is currently insufficient to determine the role of this variant in disease. Therefore, it has been classified as a Variant of Uncertain Significance.

Literature cited by the submitters: PubMed 17576681 (cited by Labcorp Genetics (formerly Invitae), Labcorp); PubMed 9536098 (cited by Labcorp Genetics (formerly Invitae), Labcorp).